The following is an entry in ClinVar:

NM_000138.5(FBN1):c.3798T>G (p.Tyr1266Ter)

Gene: FBN1 (fibrillin 1; minus strand). Cytogenetic location: 15q21.1.
Variant type: single nucleotide variant.
Coding change: c.3798T>G on transcript NM_000138.5 (MANE Select); coding-DNA position 3798, T replaced by G.
Protein change: p.Tyr1266Ter; replaces tyrosine 1266 with a stop codon.
Molecular consequence: nonsense.
Genome position (GRCh38, 1-based): chr15:48,483,858, A>C on the plus strand (T>G on the coding strand, the complement: FBN1 is on the minus strand). VCF-style: chr15-48483858-A-C. GRCh37 (hg19) VCF-style: chr15-48776055-A-C.
Other names: c.3798T>G, p.Tyr1266Ter (NM_001406716.1); short protein forms Y1266*.
Identifiers: ClinVar variation 4886237 (VCV004886237.2).

ClinVar aggregate classification (germline): Likely pathogenic (1 of 4 stars; one submission).

Submission:

Dasa
Classification: Likely pathogenic. Last evaluated: 2025-02-02. Review status: criteria provided, single submitter. Criteria: DASA Assertion Criteria. Collection method: clinical testing. Allele origin: germline.
Comment: NM_000138.5(FBN1):c.3798T>G (p.Tyr1266*) is a nonsense variant in FBN1 predicted to introduce a premature termination codon and is predicted to result in an absent or altered protein product. Loss of function is an established disease mechanism for FBN1 (PMID: 17701892; PMID: 30286810; PMID: 21063442). Also, this variant is absent from population databases. Based on the currently available evidence, this variant is classified as likely pathogenic.

Literature cited by the submitters: PubMed 17701892; PubMed 30286810; PubMed 21063442.